The following is an entry in ClinVar:

NM_001040716.2(PC):c.3409_3410del (p.Leu1137fs)

Gene: PC (pyruvate carboxylase; minus strand). Cytogenetic location: 11q13.2.
Variant type: Deletion.
Coding change: c.3409_3410del on transcript NM_001040716.2 (MANE Select); coding-DNA positions 3409 to 3410, 2 bases deleted (CT; older notation c.3409_3410delCT).
Protein change: p.Leu1137fs; shifts the reading frame from leucine 1137.
Molecular consequence: frameshift variant.
Genome position (GRCh38, 1-based): chr11:66,849,026-66,849,027, AG deleted on the plus strand (CT on the coding strand, the reverse complement: PC is on the minus strand). VCF-style (leftmost placement, unchanged base first): chr11-66849025-CAG-C. GRCh37 (hg19) VCF-style: chr11-66616496-CAG-C.
Other names: c.3409_3410del, p.Leu1137fs (NM_000920.4, NM_022172.3); c.3409_3410del (NM_000920.3); short protein forms L1137fs.
Identifiers: ClinVar variation 21229 (VCV000021229.16), dbSNP rs113994148, ClinGen allele CA341774.

ClinVar aggregate classification (germline): Pathogenic/Likely pathogenic. Review status: criteria provided, multiple submitters, no conflicts (2 of 4 stars). 5 submissions from 5 submitters: Pathogenic (1); Likely pathogenic (4). Last evaluated 2023-12-10.

Conditions:
PC-related disorders.
Pyruvate carboxylase deficiency. Also called: ATAXIA WITH LACTIC ACIDOSIS II; LEIGH NECROTIZING ENCEPHALOPATHY DUE TO PYRUVATE CARBOXYLASE DEFICIENCY; LEIGH SYNDROME DUE TO PYRUVATE CARBOXYLASE DEFICIENCY; PC DEFICIENCY; Pyruvate Carboxylase Deficiency Disease. Identifiers: Orphanet 3008, MedGen C0034341, MONDO:0009949, OMIM 266150.

Allele frequency attached by ClinVar (database versions not stated): gnomAD exomes 0.00001 and below 0.00001; TOPMed 0.00001.

Submissions (5):

Labcorp Genetics (formerly Invitae), Labcorp
Classification: Likely pathogenic for Pyruvate carboxylase deficiency. Last evaluated: 2023-12-10. Review status: criteria provided, single submitter. Criteria: Invitae Variant Classification Sherloc (09022015). Collection method: clinical testing. Allele origin: germline.
Comment: This sequence change creates a premature translational stop signal (p.Leu1137Valfs*34) in the PC gene. While this is not anticipated to result in nonsense mediated decay, it is expected to disrupt the last 42 amino acid(s) of the PC protein. This variant is present in population databases (rs113994148, gnomAD 0.004%). This premature translational stop signal has been observed in individual(s) with pyruvate carboxylase deficiency (PMID: 18676167). This variant is also known as c.3499–3500delCT (p. L1137VfsX1170). ClinVar contains an entry for this variant (Variation ID: 21229). This variant disrupts the C-terminus of the PC protein. Other variant(s) that disrupt this region (p.Glu1146Glyfs*26) have been observed in individuals with PC-related conditions (PMID: 23430542). This suggests that this may be a clinically significant region of the protein. In summary, the currently available evidence indicates that the variant is pathogenic, but additional data are needed to prove that conclusively. Therefore, this variant has been classified as Likely Pathogenic.

GeneDx
Classification: Likely pathogenic. Last evaluated: 2023-11-06. Review status: criteria provided, single submitter. Criteria: GeneDx Variant Classification Process June 2021. Collection method: clinical testing. Allele origin: germline. Affected: yes.
Comment: Reported as c.3499_3500del using alternate nomenclature, observed with a second PC variant on the opposite allele (in trans), in a patient with pyruvate carboxylase deficiency type C in the published literature (PMID: 18676167); Frameshift variant predicted to result in abnormal protein length as the last 42 amino acids are replaced with 33 different amino acids; Not observed at significant frequency in large population cohorts (gnomAD); This variant is associated with the following publications: (PMID: 23430542, 18676167)

Baylor Genetics
Classification: Pathogenic for Pyruvate carboxylase deficiency. Last evaluated: 2023-06-12. Review status: criteria provided, single submitter. Criteria: ACMG Guidelines, 2015. Collection method: clinical testing. Allele origin: unknown.

Blueprint Genetics
Classification: Likely pathogenic for PC-related disorders. Last evaluated: 2021-05-10. Review status: criteria provided, single submitter. Criteria: ACMG Guidelines, 2015. Collection method: clinical testing. Allele origin: germline. Affected: yes. Observed: 1 variant allele.

Juno Genomics, Hangzhou Juno Genomics, Inc
Classification: Likely pathogenic for Pyruvate carboxylase deficiency. Review status: criteria provided, single submitter. Criteria: ACMG Guidelines, 2015. Collection method: clinical testing. Allele origin: germline.
Comment: Absent from controls (or at extremely low frequency if recessive) in Genome Aggregation Database.;Null variant in a gene where loss of function (LOF) is a known mechanism of disease.;Patient's phenotype or family history is highly specific for a disease with a single genetic etiology.

Literature cited by the submitters: PubMed 18676167 (cited by Labcorp Genetics (formerly Invitae), Labcorp); PubMed 23430542 (cited by Labcorp Genetics (formerly Invitae), Labcorp).